The following is an entry in ClinVar:

ClinVar aggregate classification (germline): Likely pathogenic (1 of 4 stars; one submission).

Submission:

CeGaT Center for Human Genetics Tuebingen
Classification: Likely pathogenic. Last evaluated: 2025-11-01. Review status: criteria provided, single submitter. Criteria: CeGaT Center For Human Genetics Tuebingen Variant Classification Criteria Version 2. Collection method: clinical testing. Allele origin: germline. Affected: yes. Observed: 1 variant allele.
Comment: BTD: PM2, PM3, PM5:Supporting, PP4

NM_001370658.1(BTD):c.500C>T (p.Pro167Leu)

Gene: BTD (biotinidase; plus strand). Cytogenetic location: 3p25.1.
Variant type: single nucleotide variant.
Coding change: c.500C>T on transcript NM_001370658.1 (MANE Select); coding-DNA position 500, C replaced by T.
Protein change: p.Pro167Leu; replaces proline 167 with leucine.
Molecular consequence: missense variant. On other transcripts: intron variant (6).
Genome position (GRCh38, 1-based): chr3:15,644,416, C>T. VCF-style: chr3-15644416-C-T. GRCh37 (hg19) VCF-style: chr3-15685923-C-T.
Other names: c.500C>T, p.Pro167Leu (NM_001407375.1, NM_001407376.1, NM_001407377.1 and 18 more transcripts); c.399+2359C>T (NM_001370753.1, NM_001407400.1, NM_001407401.1 and 3 more transcripts); short protein forms P167L.
Identifiers: ClinVar variation 4281583 (VCV004281583.7).